The following is an entry in ClinVar:

NM_007194.4(CHEK2):c.739_751del (p.Ala247fs)

Gene: CHEK2 (checkpoint kinase 2; minus strand). Cytogenetic location: 22q12.1.
Variant type: Deletion.
Coding change: c.739_751del on transcript NM_007194.4 (MANE Select); coding-DNA positions 739 to 751, 13 bases deleted (GCCATAAAGATCA).
Protein change: p.Ala247fs; shifts the reading frame from alanine 247.
Molecular consequence: frameshift variant.
Genome position (GRCh38, 1-based): chr22:28,711,950-28,711,962, TGATCTTTATGGC deleted on the plus strand (GCCATAAAGATCA on the coding strand, the reverse complement: CHEK2 is on the minus strand); deleting any 13 consecutive bases within chr22:28,711,950-28,711,963 gives the same sequence; the c. name uses the placement nearest the transcript's 3' end. VCF-style (leftmost placement, unchanged base first): chr22-28711949-ATGATCTTTATGGC-A. GRCh37 (hg19) VCF-style: chr22-29107937-ATGATCTTTATGGC-A.
Other names: c.867_879delAGCCATAAAGATC, p.Ala290Serfs (NM_001005735.3); c.75_87delAGCCATAAAGATC, p.Ala26Serfs (NM_001257387.3); c.537_549delAGCCATAAAGATC, p.Ala180Serfs (NM_001349956.3); c.738_750delAGCCATAAAGATC, p.Ala247Serfs (NM_145862.3); short protein forms A247fs, A290fs, A180fs, A26fs.
Identifiers: ClinVar variation 2029596 (VCV002029596.4), dbSNP rs2517960917, ClinGen allele CA2580099680.

ClinVar aggregate classification (germline): Pathogenic (1 of 4 stars; one submission).

Conditions:
Familial cancer of breast. Also called: hereditary breast carcinoma; BREAST CANCER, FAMILIAL; Hereditary breast cancer. Identifiers: Orphanet 227535, MedGen C0346153, MONDO:0016419, OMIM 114480. Disease mechanism: loss of function.

Submission:

Labcorp Genetics (formerly Invitae), Labcorp
Classification: Pathogenic for Familial cancer of breast. Last evaluated: 2022-09-14. Review status: criteria provided, single submitter. Criteria: Invitae Variant Classification Sherloc (09022015). Collection method: clinical testing. Allele origin: germline.
Comment: For these reasons, this variant has been classified as Pathogenic. This variant has not been reported in the literature in individuals affected with CHEK2-related conditions. This variant is not present in population databases (gnomAD no frequency). This sequence change creates a premature translational stop signal (p.Ala247Serfs*24) in the CHEK2 gene. It is expected to result in an absent or disrupted protein product. Loss-of-function variants in CHEK2 are known to be pathogenic (PMID: 21876083, 24713400).

Literature cited by the submitters: PubMed 21876083; PubMed 24713400.